The following is an entry in ClinVar:

ClinVar aggregate classification (germline): Uncertain significance (1 of 4 stars; one submission).

Conditions:
LAMA2-related muscular dystrophy (LAMA2-RD). Also called: Laminin alpha 2-related dystrophy. Identifiers: MedGen C5679788, MONDO:0100228.

Allele frequency attached by ClinVar (database versions not stated): gnomAD 0.00001; ExAC 0.00002; gnomAD exomes 0.00002; TOPMed 0.00002; 1000 Genomes Project 30x 0.00016; 1000 Genomes Project 0.00040.
gnomAD v4.1: 20 of 1,613,918 alleles (0.0012%); highest among the groups gnomAD compares: Admixed American, 0.005%; no homozygotes.

Submission:

Labcorp Genetics (formerly Invitae), Labcorp
Classification: Uncertain significance for LAMA2-related muscular dystrophy. Last evaluated: 2024-10-07. Review status: criteria provided, single submitter. Criteria: Invitae Variant Classification Sherloc (09022015). Collection method: clinical testing. Allele origin: germline.
Comment: This sequence change replaces aspartic acid, which is acidic and polar, with asparagine, which is neutral and polar, at codon 2063 of the LAMA2 protein (p.Asp2063Asn). This variant is present in population databases (rs187633696, gnomAD 0.01%). This variant has not been reported in the literature in individuals affected with LAMA2-related conditions. ClinVar contains an entry for this variant (Variation ID: 964709). Invitae Evidence Modeling of protein sequence and biophysical properties (such as structural, functional, and spatial information, amino acid conservation, physicochemical variation, residue mobility, and thermodynamic stability) indicates that this missense variant is not expected to disrupt LAMA2 protein function with a negative predictive value of 95%. In summary, the available evidence is currently insufficient to determine the role of this variant in disease. Therefore, it has been classified as a Variant of Uncertain Significance.

NM_000426.4(LAMA2):c.6187G>A (p.Asp2063Asn)

Genes: LAMA2 (laminin subunit alpha 2; plus strand), LOC123864065 (Sharpr-MPRA regulatory region 661; plus strand). Cytogenetic location: 6q22.33.
Variant type: single nucleotide variant.
Coding change: c.6187G>A on transcript NM_000426.4 (MANE Select); coding-DNA position 6187, G replaced by A.
Protein change: p.Asp2063Asn; replaces aspartic acid 2063 with asparagine.
Molecular consequence: missense variant.
Genome position (GRCh38, 1-based): chr6:129,440,917, G>A. VCF-style: chr6-129440917-G-A. GRCh37 (hg19) VCF-style: chr6-129762062-G-A.
Other names: c.6187G>A, p.Asp2063Asn (NM_001079823.2); short protein forms D2063N.
Identifiers: ClinVar variation 964709 (VCV000964709.6), dbSNP rs187633696, ClinGen allele CA3994131.